The following is an entry in ClinVar:

ClinVar aggregate classification (germline): Benign/Likely benign. Review status: criteria provided, multiple submitters, no conflicts (2 of 4 stars). 5 submissions from 5 submitters: Benign (2); Likely benign (3). Last evaluated 2025-12-08.

Conditions:
Hereditary cancer-predisposing syndrome. Also called: Neoplastic Syndromes, Hereditary; Tumor predisposition; Hereditary Cancer Syndrome; Hereditary neoplastic syndrome. Identifiers: Orphanet 140162, MedGen C0027672, MeSH D009386, MONDO:0015356.
Tuberous sclerosis 2 (TSC2). Identifiers: Orphanet 805, MedGen C1860707, MONDO:0013199, OMIM 613254.

Allele frequency attached by ClinVar (database versions not stated): gnomAD exomes below 0.00001; TOPMed 0.00002.
gnomAD v4.1: 2 of 1,613,396 alleles (0.00012%); highest among the groups gnomAD compares: Non-Finnish European, 0.00017%; no homozygotes.

Submissions (5):

Labcorp Genetics (formerly Invitae), Labcorp
Classification: Likely benign for Tuberous sclerosis 2. Last evaluated: 2025-12-08. Review status: criteria provided, single submitter. Criteria: Invitae Variant Classification Sherloc (09022015). Collection method: clinical testing. Allele origin: germline.

Myriad Genetics, Inc.
Classification: Benign for Tuberous sclerosis 2. Last evaluated: 2025-05-15. Review status: criteria provided, single submitter. Criteria: Myriad Autosomal Dominant, Autosomal Recessive and X-Linked Classification Criteria (2023). Collection method: clinical testing. Allele origin: unknown.
Comment: This variant is considered benign. This variant is a silent/synonymous amino acid change and it is not expected to impact splicing.

Genome-Nilou Lab
Classification: Benign for Tuberous sclerosis 2. Last evaluated: 2021-11-07. Review status: criteria provided, single submitter. Criteria: ACMG Guidelines, 2015. Collection method: clinical testing. Allele origin: germline. Affected: no.

Ambry Genetics
Classification: Likely benign for Hereditary cancer-predisposing syndrome. Last evaluated: 2018-05-31. Review status: criteria provided, single submitter. Criteria: Ambry Variant Classification Scheme 2023. Collection method: clinical testing. Allele origin: germline.

GeneDx
Classification: Likely benign. Last evaluated: 2017-12-05. Review status: criteria provided, single submitter. Criteria: GeneDx Variant Classification (06012015). Collection method: clinical testing. Allele origin: germline. Affected: yes.
Comment: This variant is considered likely benign or benign based on one or more of the following criteria: it is a conservative change, it occurs at a poorly conserved position in the protein, it is predicted to be benign by multiple in silico algorithms, and/or has population frequency not consistent with disease.

NM_000548.5(TSC2):c.1728C>T (p.Tyr576=)

Gene: TSC2 (TSC complex subunit 2; plus strand). Cytogenetic location: 16p13.3.
Variant type: single nucleotide variant.
Coding change: c.1728C>T on transcript NM_000548.5 (MANE Select); coding-DNA position 1728, C replaced by T.
Protein change: p.Tyr576=; no amino-acid change (tyrosine 576 retained).
Molecular consequence: synonymous variant.
Genome position (GRCh38, 1-based): chr16:2,070,467, C>T. VCF-style: chr16-2070467-C-T. GRCh37 (hg19) VCF-style: chr16-2120468-C-T.
Other names: c.1728C>T, p.Tyr576= (NM_001077183.3, NM_001114382.3, NM_001363528.2 and 3 more transcripts); c.1617C>T, p.Tyr539= (NM_001318827.2); c.1581C>T, p.Tyr527= (NM_001318829.2); c.1128C>T, p.Tyr376= (NM_001318831.2); c.1761C>T, p.Tyr587= (NM_001318832.2).
Identifiers: ClinVar variation 516776 (VCV000516776.19), dbSNP rs966102111, ClinGen allele CA276735471.